The following is an entry in ClinVar:

ClinVar aggregate classification (germline): Likely pathogenic (1 of 4 stars; one submission).

Conditions:
GRHL2-related disorder. Also called: GRHL2-related condition; GRHL2-related disorders.

Submission:

PreventionGenetics, part of Exact Sciences
Classification: Likely pathogenic for GRHL2-related condition. Last evaluated: 2022-12-11. Review status: criteria provided, single submitter. Criteria: ACMG Guidelines, 2015. Collection method: clinical testing. Allele origin: germline.
Comment: The GRHL2 c.21-1G>A variant is predicted to disrupt the AG splice acceptor site and interfere with normal splicing. To our knowledge, this variant has not been reported in the literature or in a large population database, indicating this variant is rare. A different variant affecting the same consensus splice site, c.21-2A>G, is reported in ClinVar. Variants that disrupt the consensus splice acceptor site in GRHL2 are expected to be pathogenic. The c.21-1G>A variant is interpreted as likely pathogenic.

NM_024915.4(GRHL2):c.21-1G>A

Gene: GRHL2 (grainyhead like transcription factor 2; plus strand). Cytogenetic location: 8q22.3.
Variant type: single nucleotide variant.
Coding change: c.21-1G>A on transcript NM_024915.4 (MANE Select); the canonical splice acceptor site of the intron before coding-DNA position 21, G replaced by A.
Molecular consequence: splice acceptor variant.
Genome position (GRCh38, 1-based): chr8:101,543,240, G>A. VCF-style: chr8-101543240-G-A. GRCh37 (hg19) VCF-style: chr8-102555468-G-A.
Other names: c.-28-1G>A (NM_001330593.2).
Identifiers: ClinVar variation 2635445 (VCV002635445.1), dbSNP rs2536796557, ClinGen allele CA371643013.